The following is an entry in ClinVar:

ClinVar aggregate classification (germline): Uncertain significance (1 of 4 stars; one submission).

Conditions:
Hereditary cancer-predisposing syndrome. Also called: Tumor predisposition; Hereditary neoplastic syndrome; Hereditary Cancer Syndrome; Neoplastic Syndromes, Hereditary. Identifiers: Orphanet 140162, MedGen C0027672, MeSH D009386, MONDO:0015356.

Submission:

Ambry Genetics
Classification: Uncertain significance for Hereditary cancer-predisposing syndrome. Last evaluated: 2025-03-24. Review status: criteria provided, single submitter. Criteria: Ambry Variant Classification Scheme 2023. Collection method: clinical testing. Allele origin: germline.
Comment: The p.F650L variant (also known as c.1950T>G), located in coding exon 14 of the PTCH1 gene, results from a T to G substitution at nucleotide position 1950. The phenylalanine at codon 650 is replaced by leucine, an amino acid with highly similar properties. This amino acid position is conserved. In addition, the in silico prediction for this alteration is inconclusive. Based on the available evidence, the clinical significance of this variant remains unclear.

NM_000264.5(PTCH1):c.1950T>G (p.Phe650Leu)

Genes: PTCH1 (patched 1; minus strand), LOC100507346 (uncharacterized LOC100507346; plus strand). Cytogenetic location: 9q22.32.
Variant type: single nucleotide variant.
Coding change: c.1950T>G on transcript NM_000264.5 (MANE Select); coding-DNA position 1950, T replaced by G.
Protein change: p.Phe650Leu; replaces phenylalanine 650 with leucine.
Molecular consequence: missense variant. On other transcripts: non-coding transcript variant (2).
Genome position (GRCh38, 1-based): chr9:95,469,051, A>C on the plus strand (T>G on the coding strand, the complement: PTCH1 is on the minus strand). VCF-style: chr9-95469051-A-C. GRCh37 (hg19) VCF-style: chr9-98231333-A-C.
Other names: c.1752T>G, p.Phe584Leu (NM_001083602.3); c.1947T>G, p.Phe649Leu (NM_001083603.3); c.1497T>G, p.Phe499Leu (NM_001083604.3, NM_001083605.3, NM_001083606.3 and 1 more transcripts); c.1794T>G, p.Phe598Leu (NM_001354918.2); short protein forms F584L, F499L, F649L, F598L, F650L.
Identifiers: ClinVar variation 3939932 (VCV003939932.1).
Genomic context (GRCh38, chr9:95,469,051, plus strand): 5'-GGGGTCGTACTCCGTGCGGAGCTGGACAGTGGACTGCATGGTAATCTGCGTTTCATGGGC[A>C]AAGCTGTGGCTGCTGTAGGGAGGTGGGGGGCTGTAGCGGGTATTGTCGTGTGTGTCGGTG-3'
Protein context (NP_000255.2, residues 640-660): SPPPPYSSHS[Phe650Leu]AHETQITMQS